The following is an entry in ClinVar:

ClinVar aggregate classification (germline): Uncertain significance (1 of 4 stars; one submission).

Allele frequency attached by ClinVar (database versions not stated): gnomAD exomes below 0.00001; ExAC 0.00001.

Submission:

CeGaT Center for Human Genetics Tuebingen
Classification: Uncertain significance. Last evaluated: 2023-06-01. Review status: criteria provided, single submitter. Criteria: CeGaT Center For Human Genetics Tuebingen Variant Classification Criteria Version 2. Collection method: clinical testing. Allele origin: germline. Affected: yes. Observed: 1 variant allele.
Comment: CASZ1: PM2

NM_001079843.3(CASZ1):c.369G>A (p.Met123Ile)

Gene: CASZ1 (castor zinc finger 1; minus strand). Cytogenetic location: 1p36.22.
Variant type: single nucleotide variant.
Coding change: c.369G>A on transcript NM_001079843.3 (MANE Select); coding-DNA position 369, G replaced by A.
Protein change: p.Met123Ile; replaces methionine 123 with isoleucine.
Molecular consequence: missense variant.
Genome position (GRCh38, 1-based): chr1:10,665,219, C>T on the plus strand (G>A on the coding strand, the complement: CASZ1 is on the minus strand). VCF-style: chr1-10665219-C-T. GRCh37 (hg19) VCF-style: chr1-10725276-C-T.
Other names: c.369G>A, p.Met123Ile (NM_017766.5); short protein forms M123I.
Identifiers: ClinVar variation 2638214 (VCV002638214.24), dbSNP rs749892570, ClinGen allele CA585462.